The following is an entry in ClinVar:

NM_000334.4(SCN4A):c.5221C>A (p.His1741Asn)

Genes: GH-LCR (growth hormone locus control region; plus strand), SCN4A (sodium voltage-gated channel alpha subunit 4; minus strand). Cytogenetic location: 17q23.3.
Variant type: single nucleotide variant.
Coding change: c.5221C>A on transcript NM_000334.4 (MANE Select); coding-DNA position 5221, C replaced by A.
Protein change: p.His1741Asn; replaces histidine 1741 with asparagine.
Molecular consequence: missense variant.
Genome position (GRCh38, 1-based): chr17:63,941,061, G>T on the plus strand (C>A on the coding strand, the complement: SCN4A is on the minus strand). VCF-style: chr17-63941061-G-T. GRCh37 (hg19) VCF-style: chr17-62018421-G-T.
Other names: short protein forms H1741N.
Identifiers: ClinVar variation 2112220 (VCV002112220.4), dbSNP rs759656708, ClinGen allele CA400613377.

ClinVar aggregate classification (germline): Uncertain significance (1 of 4 stars; one submission).

Conditions:
Hyperkalemic periodic paralysis. Also called: Familial hyperkalemic periodic paralysis; Gamstorp disease. Identifiers: Orphanet 682, MedGen C0238357, MONDO:0008224, OMIM 170500, HP:0007215.

Submission:

Labcorp Genetics (formerly Invitae), Labcorp
Classification: Uncertain significance for Hyperkalemic periodic paralysis. Last evaluated: 2022-03-14. Review status: criteria provided, single submitter. Criteria: Invitae Variant Classification Sherloc (09022015). Collection method: clinical testing. Allele origin: germline.
Comment: In summary, the available evidence is currently insufficient to determine the role of this variant in disease. Therefore, it has been classified as a Variant of Uncertain Significance. Algorithms developed to predict the effect of missense changes on protein structure and function are either unavailable or do not agree on the potential impact of this missense change (SIFT: "Deleterious"; PolyPhen-2: "Possibly Damaging"; Align-GVGD: "Class C15"). This variant has not been reported in the literature in individuals affected with SCN4A-related conditions. This variant is not present in population databases (gnomAD no frequency). This sequence change replaces histidine, which is basic and polar, with asparagine, which is neutral and polar, at codon 1741 of the SCN4A protein (p.His1741Asn).